The following is an entry in ClinVar:

NM_001379500.1(COL18A1):c.3028G>A (p.Gly1010Ser)

Genes: SLC19A1 (solute carrier family 19 member 1; minus strand), COL18A1 (collagen type XVIII alpha 1 chain; plus strand). Cytogenetic location: 21q22.3.
Variant type: single nucleotide variant.
Coding change: c.3028G>A on transcript NM_001379500.1 (MANE Select); coding-DNA position 3028, G replaced by A.
Protein change: p.Gly1010Ser; replaces glycine 1010 with serine.
Molecular consequence: missense variant.
Genome position (GRCh38, 1-based): chr21:45,505,372, G>A. VCF-style: chr21-45505372-G-A. GRCh37 (hg19) VCF-style: chr21-46925286-G-A.
Other names: c.3559G>A, p.Gly1187Ser (NM_030582.4); c.4264G>A, p.Gly1422Ser (NM_130444.3); short protein forms G1187S, G1422S, G1010S.
Identifiers: ClinVar variation 373915 (VCV000373915.12), dbSNP rs1057518766, ClinGen allele CA16043567.

ClinVar aggregate classification (germline): Conflicting classifications of pathogenicity. Review status: criteria provided, conflicting classifications (1 of 4 stars). 5 submissions from 4 submitters: Likely pathogenic (1); Uncertain significance (2). 2 of the submissions do not count toward it. Last evaluated 2025-10-13.

Conditions:
Hereditary glaucoma, primary closed-angle. Also called: Glaucoma, primary closed-angle. Identifiers: MedGen C5394374, MONDO:0030038, OMIM 618880.
Progressive neurodegenerative disease.
COL18A1-related disorder. Also called: COL18A1-related disorders; COL18A1-related condition.

Allele frequency attached by ClinVar (database versions not stated): gnomAD 0.00002 and 0.00003; gnomAD exomes 0.00003 and 0.00002; TOPMed 0.00004.
gnomAD v4.1: 34 of 1,593,514 alleles (0.0021%); highest among the groups gnomAD compares: African/African-American, 0.0027%; no homozygotes.

Submissions (5):

Dasa
Classification: Uncertain significance. Last evaluated: 2025-10-13. Review status: criteria provided, single submitter. Criteria: DASA Assertion Criteria. Collection method: clinical testing. Allele origin: germline.
Comment: NM_001379500.1(COL18A1):c.3028G>A (p.Gly1010Ser) is a missense variant that results in the substitution of glycine with serine. This variant has been reported in individuals with COL18A1-related disorders. Also, this variant is rare in population databases. Computational prediction algorithms are consistent with a deleterious effect. The currently available literature and clinical evidence are not sufficient to establish a definitive association between this variant and the reported condition. Therefore, this variant is classified as a variant of uncertain significance.

Labcorp Genetics (formerly Invitae), Labcorp
Classification: Uncertain significance. Last evaluated: 2023-12-06. Review status: criteria provided, single submitter. Criteria: Invitae Variant Classification Sherloc (09022015). Collection method: clinical testing. Allele origin: germline.
Comment: This sequence change replaces glycine, which is neutral and non-polar, with serine, which is neutral and polar, at codon 1007 of the COL18A1 protein (p.Gly1007Ser). This variant is present in population databases (no rsID available, gnomAD 0.006%). This missense change has been observed in individual(s) with clinical features of COL18A1-related conditions (PMID: 31623504). This variant is also known as p.Gly1187Ser. ClinVar contains an entry for this variant (Variation ID: 373915). Experimental studies and prediction algorithms are not available or were not evaluated, and the functional significance of this variant is currently unknown. In summary, the available evidence is currently insufficient to determine the role of this variant in disease. Therefore, it has been classified as a Variant of Uncertain Significance.

Centre for Mendelian Genomics, University Medical Centre Ljubljana
Classification: Likely pathogenic for Hereditary glaucoma, primary closed-angle. Last evaluated: 2016-01-01. Review status: criteria provided, single submitter. Criteria: ACMG Guidelines, 2015. Collection method: clinical testing. Allele origin: unknown. Affected: yes.
Comment: This variant was classified as: Likely pathogenic.

PreventionGenetics, part of Exact Sciences
Classification: Uncertain significance for COL18A1-related condition. Last evaluated: 2024-05-10. Review status: no assertion criteria provided. Collection method: clinical testing. Allele origin: germline. Not counted in ClinVar's aggregate classification.
Comment: The COL18A1 c.3559G>A variant is predicted to result in the amino acid substitution p.Gly1187Ser. In an alternate transcript (NM_001379500.1), this variant is known as c.3028G>A (p.Gly1010Ser) in exon 36. This variant was reported in the compound heterozygous state in an individual with from a cohort of patients with global developmental delay and intellectual disability (Case 40 in Stojanovic et al. 2019. PubMed ID: 31623504). Of note, Case 40 also had a variant in the MITF gene. This variant is predicted to occur within a collagen triple-helical domain (region 10); however, other glycine (Gly) changes have not been documented within this exon. This variant is reported in 0.0056% of alleles in individuals of European (Non-Finnish) descent in gnomAD. At this time, the clinical significance of this variant is uncertain due to the absence of conclusive functional and genetic evidence.

Centre for Mendelian Genomics, University Medical Centre Ljubljana
Classification: Likely pathogenic for Progressive neurodegenerative disease. Last evaluated: 2016-03-24. Review status: no assertion criteria provided. Collection method: clinical testing. Allele origin: unknown. Affected: yes. Not counted in ClinVar's aggregate classification.

Literature cited by the submitters: PubMed 31623504 (cited by Labcorp Genetics (formerly Invitae), Labcorp).